The following is an entry in ClinVar:

NM_033109.5(PNPT1):c.919-1G>T

Gene: PNPT1 (polyribonucleotide nucleotidyltransferase 1; minus strand). Cytogenetic location: 2p16.1.
Variant type: single nucleotide variant.
Coding change: c.919-1G>T on transcript NM_033109.5 (MANE Select); the canonical splice acceptor site of the intron before coding-DNA position 919, G replaced by T.
Molecular consequence: splice acceptor variant.
Genome position (GRCh38, 1-based): chr2:55,671,377, C>A on the plus strand (G>T on the coding strand, the complement: PNPT1 is on the minus strand). VCF-style: chr2-55671377-C-A. GRCh37 (hg19) VCF-style: chr2-55898512-C-A.
Identifiers: ClinVar variation 1465394 (VCV001465394.6), dbSNP rs1209582847, ClinGen allele CA346931828.

ClinVar aggregate classification (germline): Likely pathogenic (1 of 4 stars; one submission).

Allele frequency attached by ClinVar (database versions not stated): gnomAD exomes below 0.00001.

Submission:

Labcorp Genetics (formerly Invitae), Labcorp
Classification: Likely pathogenic. Last evaluated: 2021-09-10. Review status: criteria provided, single submitter. Criteria: Invitae Variant Classification Sherloc (09022015). Collection method: clinical testing. Allele origin: germline.
Comment: In summary, the currently available evidence indicates that the variant is pathogenic, but additional data are needed to prove that conclusively. Therefore, this variant has been classified as Likely Pathogenic. Algorithms developed to predict the effect of sequence changes on RNA splicing suggest that this variant may disrupt the consensus splice site. This variant has not been reported in the literature in individuals affected with PNPT1-related conditions. This variant is not present in population databases (ExAC no frequency). This sequence change affects an acceptor splice site in intron 10 of the PNPT1 gene. It is expected to disrupt RNA splicing. Variants that disrupt the donor or acceptor splice site typically lead to a loss of protein function (PMID: 16199547), and loss-of-function variants in PNPT1 are known to be pathogenic (PMID: 28594066, 30244537).

Literature cited by the submitters: PubMed 16199547; PubMed 28594066; PubMed 30244537.